The following is an entry in ClinVar:

ClinVar aggregate classification (germline): Uncertain significance. Review status: criteria provided, multiple submitters, no conflicts (2 of 4 stars). 3 submissions from 3 submitters: Uncertain significance (3). Last evaluated 2025-08-27.

Conditions:
RP1L1-related disorder. Also called: RP1L1-related condition.

gnomAD v4.1: 38 of 1,614,092 alleles (0.0024%); highest among the groups gnomAD compares: South Asian, 0.0022%; no homozygotes.

Submissions (3):

PreventionGenetics, part of Exact Sciences
Classification: Uncertain significance for RP1L1-related condition. Last evaluated: 2025-08-27. Review status: criteria provided, single submitter. Criteria: ACMG Guidelines, 2015. Collection method: clinical testing. Allele origin: germline.
Comment: The RP1L1 c.751G>A variant is predicted to result in the amino acid substitution p.Gly251Arg. To our knowledge, this variant has not been reported in the literature. This variant is reported in 0.028% of alleles in individuals of European (Finnish) descent in gnomAD. At this time, the clinical significance of this variant is uncertain due to the absence of conclusive functional and genetic evidence.

Labcorp Genetics (formerly Invitae), Labcorp
Classification: Uncertain significance. Last evaluated: 2025-07-03. Review status: criteria provided, single submitter. Criteria: Invitae Variant Classification Sherloc (09022015). Collection method: clinical testing. Allele origin: germline.
Comment: This sequence change replaces glycine, which is neutral and non-polar, with arginine, which is basic and polar, at codon 251 of the RP1L1 protein (p.Gly251Arg). This variant also falls at the last nucleotide of exon 3, which is part of the consensus splice site for this exon. This variant is present in population databases (rs201120801, gnomAD 0.03%). This variant has not been reported in the literature in individuals affected with RP1L1-related conditions. ClinVar contains an entry for this variant (Variation ID: 1383358). An algorithm developed to predict the effect of missense changes on protein structure and function outputs the following: PolyPhen-2: "Possibly Damaging". The arginine amino acid residue is found in multiple mammalian species, which suggests that this missense change does not adversely affect protein function. Variants that disrupt the consensus splice site are a relatively common cause of aberrant splicing (PMID: 17576681, 9536098). In summary, the available evidence is currently insufficient to determine the role of this variant in disease. Therefore, it has been classified as a Variant of Uncertain Significance.

Blueprint Genetics
Classification: Uncertain significance. Last evaluated: 2023-03-29. Review status: criteria provided, single submitter. Criteria: ACMG Guidelines, 2015. Collection method: clinical testing. Allele origin: germline.

Literature cited by the submitters: PubMed 17576681 (cited by Labcorp Genetics (formerly Invitae), Labcorp); PubMed 9536098 (cited by Labcorp Genetics (formerly Invitae), Labcorp).

NM_178857.6(RP1L1):c.751G>A (p.Gly251Arg)

Gene: RP1L1 (RP1 like 1). Cytogenetic location: 8p23.1.
Variant type: single nucleotide variant.
Coding change: c.751G>A on transcript NM_178857.6 (MANE Select); coding-DNA position 751, G replaced by A.
Protein change: p.Gly251Arg; replaces glycine 251 with arginine.
Molecular consequence: missense variant.
Genome position (GRCh38, 1-based): chr8:10,616,446, C>T on the plus strand (G>A on the coding strand, the complement: RP1L1 is on the minus strand). VCF-style: chr8-10616446-C-T. GRCh37 (hg19) VCF-style: chr8-10473956-C-T.
Other names: c.751G>A (NM_178857.5); short protein forms G251R.
Identifiers: ClinVar variation 1383358 (VCV001383358.8), dbSNP rs201120801, ClinGen allele CA4625487.